The following is an entry in ClinVar:

NM_001429.4(EP300):c.2874dup (p.Ser959Ter)

Genes: EP300 (E1A binding protein p300; plus strand), LOC126863158 (BRD4-independent group 4 enhancer GRCh37_chr22:41547383-41548582; plus strand). Cytogenetic location: 22q13.2.
Variant type: Duplication.
Coding change: c.2874dup on transcript NM_001429.4 (MANE Select); coding-DNA position 2874, one base duplicated (T; older notation c.2874dupT).
Protein change: p.Ser959Ter; replaces serine 959 with a stop codon.
Molecular consequence: nonsense.
Genome position (GRCh38, 1-based): chr22:41,151,889, T duplicated. VCF-style (leftmost placement, unchanged base first): chr22-41151888-G-GT. GRCh37 (hg19) VCF-style: chr22-41547892-G-GT.
Other names: c.2796dup, p.Ser933Ter (NM_001362843.2); short protein forms S933*, S959*.
Identifiers: ClinVar variation 3089283 (VCV003089283.1), dbSNP rs2517800433, ClinGen allele CA2825002888.

ClinVar aggregate classification (germline): Pathogenic (1 of 4 stars; one submission).

Conditions:
Inborn genetic diseases. Identifiers: MedGen C0950123, MeSH D030342.

Submission:

Ambry Genetics
Classification: Pathogenic for Inborn genetic diseases. Last evaluated: 2024-01-03. Review status: criteria provided, single submitter. Criteria: Ambry Variant Classification Scheme 2023. Collection method: clinical testing. Allele origin: germline.
Comment: The c.2874dupT (p.S959*) alteration, located in exon 15 (coding exon 15) of the EP300 gene, consists of a duplication of T at position 2874. This changes the amino acid from a serine (S) to a stop codon at amino acid position 959. This alteration is expected to result in loss of function by premature protein truncation or nonsense-mediated mRNA decay. This variant was not reported in population-based cohorts in the Genome Aggregation Database (gnomAD). Based on the available evidence, this alteration is classified as pathogenic.